The following is an entry in ClinVar:

ClinVar aggregate classification (germline): Conflicting classifications of pathogenicity. Review status: criteria provided, conflicting classifications (1 of 4 stars). 7 submissions from 7 submitters: Pathogenic (4); Likely pathogenic (2); Uncertain significance (1). Last evaluated 2025-10-03.

Conditions:
Wilson disease (WND). Also called: Wilson's disease. Identifiers: Orphanet 905, MedGen C0019202, MONDO:0010200, OMIM 277900. Disease mechanism: loss of function.

Allele frequency attached by ClinVar (database versions not stated): TOPMed below 0.00001; ExAC 0.00001; gnomAD 0.00001; gnomAD exomes 0.00001.
gnomAD v4.1: 1 of 1,614,098 alleles (0.000062%); highest among the groups gnomAD compares: East Asian, 0.0022%; no homozygotes.

Submissions (7):

Labcorp Genetics (formerly Invitae), Labcorp
Classification: Pathogenic for Wilson disease. Last evaluated: 2025-10-03. Review status: criteria provided, single submitter. Criteria: Invitae Variant Classification Sherloc (09022015). Collection method: clinical testing. Allele origin: germline.
Comment: This sequence change replaces serine, which is neutral and polar, with tyrosine, which is neutral and polar, at codon 975 of the ATP7B protein (p.Ser975Tyr). This variant is present in population databases (rs778163447, gnomAD 0.01%). This missense change has been observed in individual(s) with Wilson disease (PMID: 18841564, 23235335, 27398169). ClinVar contains an entry for this variant (Variation ID: 862055). Invitae Evidence Modeling of protein sequence and biophysical properties (such as structural, functional, and spatial information, amino acid conservation, physicochemical variation, residue mobility, and thermodynamic stability) indicates that this missense variant is not expected to disrupt ATP7B protein function with a negative predictive value of 80%. For these reasons, this variant has been classified as Pathogenic.

Myriad Genetics, Inc.
Classification: Pathogenic for Wilson disease. Last evaluated: 2025-09-10. Review status: criteria provided, single submitter. Criteria: Myriad Autosomal Dominant, Autosomal Recessive and X-Linked Classification Criteria (2023). Collection method: clinical testing. Allele origin: unknown.
Comment: NM_000053.3(ATP7B):c.2924C>A(S975Y) is a missense variant classified as pathogenic in the context of Wilson disease. S975Y has been observed in cases with relevant disease (PMID: 35220961). Relevant functional assessments of this variant are not available in the literature. S975Y has been observed in referenced population frequency databases. In summary, NM_000053.3(ATP7B):c.2924C>A(S975Y) is a missense variant that has been observed more frequently in cases with the relevant disease than in healthy populations. Please note: this variant was assessed in the context of healthy population screening.

Natera, Inc.
Classification: Pathogenic for Wilson disease. Last evaluated: 2025-03-28. Review status: criteria provided, single submitter. Criteria: Natera Variant Classification Schema (03/2026). Collection method: clinical testing. Allele origin: germline.
Comment: The c.2924C>A variant in ATP7B is a missense variant predicted to cause substitution of serine to tyrosine at amino acid 975. This variant is rare in the general population with a frequency below the threshold expected for the associated phenotype(s). This variant has been observed in one or more individuals affected with the associated recessive disease, as either homozygous or compound heterozygous with a second variant (PMID: 24475083, 21796144, 30702195, 35220961). Computational prediction algorithms indicate this variant is likely to affect gene or protein function. Given the available evidence, this variant is classified as Pathogenic.

Baylor Genetics
Classification: Pathogenic for Wilson disease. Last evaluated: 2024-03-21. Review status: criteria provided, single submitter. Criteria: ACMG Guidelines, 2015. Collection method: clinical testing. Allele origin: unknown.

Chongqing Key Laboratory of Child Rare Diseases in Infection and Immunity, Children’s Hospital of Chongqing Medical University
Classification: Uncertain significance for Wilson disease. Last evaluated: 2024-01-01. Review status: criteria provided, single submitter. Criteria: ACMG Guidelines, 2015. Collection method: clinical testing. Allele origin: germline. Inheritance: Autosomal recessive inheritance. Affected: yes.
Comment: Classified as Uncertain significance according to the ACMG/AMP 2015 guidelines (PMID:25741868). The classification was based on the available submitted evidence for Wilson disease (OMIM:277900), including clinical-testing observations, variant consequence/protein annotation, and published or ClinVar evidence where available. Supporting information considered: variant annotation: p.Ser975Tyr; Missense; Protein domain: P-domain-enriched; submitted notation: NM_000053.4:c.2924C>A (p.Ser975Tyr); source variant type: Missense; source domain: P-domain-enriched; allele count n=230: 1.

Genome-Nilou Lab
Classification: Likely pathogenic for Wilson disease. Last evaluated: 2021-08-10. Review status: criteria provided, single submitter. Criteria: ACMG Guidelines, 2015. Collection method: clinical testing. Allele origin: germline. Affected: no.

Mayo Clinic Laboratories, Mayo Clinic
Classification: Likely pathogenic. Last evaluated: 2021-04-20. Review status: criteria provided, single submitter. Criteria: ACMG Guidelines, 2015. Collection method: clinical testing. Allele origin: germline.

Literature cited by the submitters: PubMed 18841564 (cited by Labcorp Genetics (formerly Invitae), Labcorp); PubMed 23235335 (cited by Labcorp Genetics (formerly Invitae), Labcorp and Mayo Clinic Laboratories, Mayo Clinic); PubMed 27398169 (cited by Labcorp Genetics (formerly Invitae), Labcorp and Mayo Clinic Laboratories, Mayo Clinic); PubMed 35220961 (cited by Myriad Genetics, Inc. and Natera, Inc.); PubMed 24475083 (cited by Natera, Inc.); PubMed 21796144 (cited by Natera, Inc. and Mayo Clinic Laboratories, Mayo Clinic); PubMed 30702195 (cited by Natera, Inc. and Mayo Clinic Laboratories, Mayo Clinic); PubMed 30275481 (cited by Mayo Clinic Laboratories, Mayo Clinic); PubMed 30655162 (cited by Mayo Clinic Laboratories, Mayo Clinic); PubMed 27022412 (cited by Mayo Clinic Laboratories, Mayo Clinic); PubMed 26782526 (cited by Mayo Clinic Laboratories, Mayo Clinic); PubMed 22692182 (cited by Mayo Clinic Laboratories, Mayo Clinic); PubMed 18841562 (cited by Mayo Clinic Laboratories, Mayo Clinic); PubMed 14986826 (cited by Mayo Clinic Laboratories, Mayo Clinic).

NM_000053.4(ATP7B):c.2924C>A (p.Ser975Tyr)

Gene: ATP7B (ATPase copper transporting beta; minus strand). Cytogenetic location: 13q14.3.
Variant type: single nucleotide variant.
Coding change: c.2924C>A on transcript NM_000053.4 (MANE Select); coding-DNA position 2924, C replaced by A.
Protein change: p.Ser975Tyr; replaces serine 975 with tyrosine.
Molecular consequence: missense variant.
Genome position (GRCh38, 1-based): chr13:51,946,420, G>T on the plus strand (C>A on the coding strand, the complement: ATP7B is on the minus strand). VCF-style: chr13-51946420-G-T. GRCh37 (hg19) VCF-style: chr13-52520556-G-T.
Other names: p.Ser975Tyr; c.2303C>A, p.Ser768Tyr (NM_001005918.3); c.2591C>A, p.Ser864Tyr (NM_001243182.2); c.2690C>A, p.Ser897Tyr (NM_001330578.2); c.2672C>A, p.Ser891Tyr (NM_001330579.2); short protein forms S768Y, S897Y, S864Y, S891Y, S975Y.
Identifiers: ClinVar variation 862055 (VCV000862055.21), dbSNP rs778163447, ClinGen allele CA6988860.
Genomic context (GRCh38, chr13:51,946,420, plus strand): 5'-ACAGCCGTGGGCGTGGCCAGCCCCAGGGAGCAGGGGCAGGCAATGCACAGCACCGTGATG[G>T]ACGTCTGGAAAGCAAACCGGATGATCACCTCTGTCTGGGAGATGTGCTTGTTGGGGTTCT-3'
Protein context (NP_000044.2, residues 965-985): EVIIRFAFQT[Ser975Tyr]ITVLCIACPC